The following is an entry in ClinVar:

ClinVar aggregate classification (germline): Uncertain significance (1 of 4 stars; one submission).

Conditions:
Inborn genetic diseases. Identifiers: MedGen C0950123, MeSH D030342.

Submission:

Ambry Genetics
Classification: Uncertain significance for Inborn genetic diseases. Last evaluated: 2025-03-07. Review status: criteria provided, single submitter. Criteria: Ambry Variant Classification Scheme 2023. Collection method: clinical testing. Allele origin: germline.
Comment: The p.S439C variant (also known as c.1316C>G), located in coding exon 8 of the ETV6 gene, results from a C to G substitution at nucleotide position 1316. The serine at codon 439 is replaced by cysteine, an amino acid with dissimilar properties. This amino acid position is conserved. In addition, the in silico prediction for this alteration is inconclusive. Based on the available evidence, the clinical significance of this variant remains unclear.

NM_001987.5(ETV6):c.1316C>G (p.Ser439Cys)

Gene: ETV6 (ETS variant transcription factor 6; plus strand). Cytogenetic location: 12p13.2.
Variant type: single nucleotide variant.
Coding change: c.1316C>G on transcript NM_001987.5 (MANE Select); coding-DNA position 1316, C replaced by G.
Protein change: p.Ser439Cys; replaces serine 439 with cysteine.
Molecular consequence: missense variant. On other transcripts: 3 prime UTR variant (1).
Genome position (GRCh38, 1-based): chr12:11,891,003, C>G. VCF-style: chr12-11891003-C-G. GRCh37 (hg19) VCF-style: chr12-12043937-C-G.
Other names: c.1313C>G, p.Ser438Cys (NM_001413913.1); c.1289C>G, p.Ser430Cys (NM_001413914.1); c.1052C>G, p.Ser351Cys (NM_001413915.1); c.*55C>G (NM_001413917.1); short protein forms S430C, S439C, S438C, S351C.
Identifiers: ClinVar variation 3846458 (VCV003846458.1).